The following is an entry in ClinVar:

NM_000257.4(MYH7):c.1818G>C (p.Val606=)

Gene: MYH7 (myosin heavy chain 7; minus strand). Cytogenetic location: 14q11.2.
Variant type: single nucleotide variant.
Coding change: c.1818G>C on transcript NM_000257.4 (MANE Select); coding-DNA position 1818, G replaced by C.
Protein change: p.Val606=; no amino-acid change (valine 606 retained).
Molecular consequence: synonymous variant.
Genome position (GRCh38, 1-based): chr14:23,427,655, C>G on the plus strand (G>C on the coding strand, the complement: MYH7 is on the minus strand). VCF-style: chr14-23427655-C-G. GRCh37 (hg19) VCF-style: chr14-23896864-C-G.
Other names: c.1818G>C, p.Val606= (NM_001407004.1).
Identifiers: ClinVar variation 2848463 (VCV002848463.5), dbSNP rs756461569, ClinGen allele CA257822116.

ClinVar aggregate classification (germline): Conflicting classifications of pathogenicity. Review status: criteria provided, conflicting classifications (1 of 4 stars). 3 submissions from 3 submitters: Uncertain significance (1); Likely benign (2). Last evaluated 2024-07-08.

Conditions:
Hypertrophic cardiomyopathy. Also called: HYPERTROPHIC MYOCARDIOPATHY. Identifiers: Orphanet 217569, MedGen C0007194, MeSH D002312, MONDO:0005045, HP:0001639.
Cardiomyopathy (CMYO). Also called: Cardiomyopathies. Identifiers: Orphanet 167848, MedGen C0878544, MONDO:0004994, HP:0001638. Inheritance: Various modes of inheritance.

Submissions (3):

Color Diagnostics, LLC DBA Color Health
Classification: Likely benign for Cardiomyopathy. Last evaluated: 2024-07-08. Review status: criteria provided, single submitter. Criteria: ACMG Guidelines, 2015. Collection method: clinical testing. Allele origin: germline.

All of Us Research Program, National Institutes of Health
Classification: Uncertain significance for Cardiomyopathy. Last evaluated: 2023-06-26. Review status: criteria provided, single submitter. Criteria: ACMG Guidelines, 2015. Collection method: clinical testing. Allele origin: germline. Inheritance: Autosomal dominant inheritance. Observed: 1 variant allele, 1 heterozygote.
Comment: This variant is located in the MYH7 protein. To our knowledge, functional studies have not been reported for this variant. This variant has not been reported in individuals affected with MYH7-related disorders in the literature. This variant has been identified in 1/251484 chromosomes in the general population by the Genome Aggregation Database (gnomAD). The available evidence is insufficient to determine the role of this variant in disease conclusively. Therefore, this variant is classified as a Variant of Uncertain Significance.

This study involves interpretation of variants in research participants for the purpose of population health screening. Participant phenotype was not available at the time of variant classification. Additional details can be found in publication PMID: 35346344, PMCID: PMC8962531

Labcorp Genetics (formerly Invitae), Labcorp
Classification: Likely benign for Hypertrophic cardiomyopathy. Last evaluated: 2023-06-04. Review status: criteria provided, single submitter. Criteria: Invitae Variant Classification Sherloc (09022015). Collection method: clinical testing. Allele origin: germline.